The following is an entry in ClinVar:

NM_014846.4(WASHC5):c.1600A>G (p.Met534Val)

Gene: WASHC5 (WASH complex subunit 5; minus strand). Cytogenetic location: 8q24.13.
Variant type: single nucleotide variant.
Coding change: c.1600A>G on transcript NM_014846.4 (MANE Select); coding-DNA position 1600, A replaced by G.
Protein change: p.Met534Val; replaces methionine 534 with valine.
Molecular consequence: missense variant.
Genome position (GRCh38, 1-based): chr8:125,059,464, T>C on the plus strand (A>G on the coding strand, the complement: WASHC5 is on the minus strand). VCF-style: chr8-125059464-T-C. GRCh37 (hg19) VCF-style: chr8-126071706-T-C.
Other names: c.1156A>G, p.Met386Val (NM_001330609.2); short protein forms M386V, M534V.
Identifiers: ClinVar variation 2635467 (VCV002635467.2), dbSNP rs2537342267, ClinGen allele CA372192215.

ClinVar aggregate classification (germline): Uncertain significance. Review status: criteria provided, multiple submitters, no conflicts (2 of 4 stars). 2 submissions from 2 submitters: Uncertain significance (2). Last evaluated 2025-05-11.

Conditions:
Ritscher-Schinzel syndrome. Also called: CRANIOCEREBELLOCARDIAC DYSPLASIA. Identifiers: Orphanet 7, MedGen C0796137, MONDO:0019078.
Hereditary spastic paraplegia 8 (SPG8). Also called: SPASTIC PARAPLEGIA 8, AUTOSOMAL DOMINANT. Identifiers: Orphanet 100989, MedGen C1863704, MONDO:0011339, OMIM 603563.
WASHC5-related disorder. Also called: WASHC5-related condition.

Submissions (2):

Labcorp Genetics (formerly Invitae), Labcorp
Classification: Uncertain significance for Ritscher-Schinzel syndrome; Hereditary spastic paraplegia 8. Last evaluated: 2025-05-11. Review status: criteria provided, single submitter. Criteria: Invitae Variant Classification Sherloc (09022015). Collection method: clinical testing. Allele origin: germline.
Comment: This sequence change replaces methionine, which is neutral and non-polar, with valine, which is neutral and non-polar, at codon 534 of the WASHC5 protein (p.Met534Val). This variant is not present in population databases (gnomAD no frequency). This variant has not been reported in the literature in individuals affected with WASHC5-related conditions. ClinVar contains an entry for this variant (Variation ID: 2635467). Invitae Evidence Modeling of protein sequence and biophysical properties (such as structural, functional, and spatial information, amino acid conservation, physicochemical variation, residue mobility, and thermodynamic stability) indicates that this missense variant is expected to disrupt WASHC5 protein function with a positive predictive value of 80%. In summary, the available evidence is currently insufficient to determine the role of this variant in disease. Therefore, it has been classified as a Variant of Uncertain Significance.

PreventionGenetics, part of Exact Sciences
Classification: Uncertain significance for WASHC5-related condition. Last evaluated: 2022-12-15. Review status: criteria provided, single submitter. Criteria: ACMG Guidelines, 2015. Collection method: clinical testing. Allele origin: germline.
Comment: The WASHC5 c.1600A>G variant is predicted to result in the amino acid substitution p.Met534Val. To our knowledge, this variant has not been reported in the literature or in a large population database, indicating this variant is rare. At this time, the clinical significance of this variant is uncertain due to the absence of conclusive functional and genetic evidence.